The following is an entry in ClinVar:

ClinVar aggregate classification (germline): Pathogenic/Likely pathogenic. Review status: criteria provided, multiple submitters, no conflicts (2 of 4 stars). 3 submissions from 3 submitters: Pathogenic (2); Likely pathogenic (1). Last evaluated 2024-05-23.

Conditions:
Nemaline myopathy 2 (NEM2). Also called: Nemaline myopathy 2, autosomal recessive. Identifiers: MedGen C1850569, MONDO:0009725, OMIM 256030.
Arthrogryposis multiplex congenita 6. Identifiers: MedGen C5543431, MONDO:0030281, OMIM 619334.
Abnormality of the musculature. Identifiers: MedGen C4021745, HP:0003011.

Allele frequency attached by ClinVar (database versions not stated): gnomAD exomes 0.00001 and 0.00002; ExAC 0.00003.
gnomAD v4.1: 8 of 1,608,468 alleles (0.0005%); highest among the groups gnomAD compares: South Asian, 0.0089%; no homozygotes.

Submissions (3):

Fulgent Genetics
Classification: Likely pathogenic for Nemaline myopathy 2; Arthrogryposis multiplex congenita 6. Last evaluated: 2024-05-23. Review status: criteria provided, single submitter. Criteria: ACMG Guidelines, 2015. Collection method: clinical testing. Allele origin: germline.

Labcorp Genetics (formerly Invitae), Labcorp
Classification: Pathogenic for Nemaline myopathy 2. Last evaluated: 2022-12-25. Review status: criteria provided, single submitter. Criteria: Invitae Variant Classification Sherloc (09022015). Collection method: clinical testing. Allele origin: germline.
Comment: This sequence change creates a premature translational stop signal (p.Tyr8169*) in the NEB gene. It is expected to result in an absent or disrupted protein product. Loss-of-function variants in NEB are known to be pathogenic (PMID: 25205138). This variant is present in population databases (rs758277406, gnomAD 0.01%). This variant has not been reported in the literature in individuals affected with NEB-related conditions. ClinVar contains an entry for this variant (Variation ID: 942342). Algorithms developed to predict the effect of sequence changes on RNA splicing suggest that this variant may disrupt the consensus splice site. For these reasons, this variant has been classified as Pathogenic.

Kariminejad - Najmabadi Pathology & Genetics Center
Classification: Pathogenic for Abnormality of the musculature. Last evaluated: 2021-07-10. Review status: criteria provided, single submitter. Criteria: ACMG Guidelines, 2015. Collection method: clinical testing. Allele origin: germline. Affected: yes.

Literature cited by the submitters: PubMed 25205138 (cited by Labcorp Genetics (formerly Invitae), Labcorp).

NM_001164508.2(NEB):c.24402C>G (p.Tyr8134Ter)

Genes: RIF1 (replication timing regulatory factor 1; plus strand), NEB (nebulin; minus strand). Cytogenetic location: 2q23.3.
Variant type: single nucleotide variant.
Coding change: c.24402C>G on transcript NM_001164508.2 (MANE Select); coding-DNA position 24402, C replaced by G.
Protein change: p.Tyr8134Ter; replaces tyrosine 8134 with a stop codon.
Molecular consequence: nonsense.
Genome position (GRCh38, 1-based): chr2:151,496,360, G>C on the plus strand (C>G on the coding strand, the complement: NEB is on the minus strand). VCF-style: chr2-151496360-G-C. GRCh37 (hg19) VCF-style: chr2-152352874-G-C.
Other names: c.24402C>G, p.Tyr8134Ter (NM_001164507.2); c.24507C>G, p.Tyr8169Ter (NM_001271208.2); c.18834C>G, p.Tyr6278Ter (NM_004543.5); short protein forms Y6278*, Y8169*, Y8134*.
Identifiers: ClinVar variation 942342 (VCV000942342.29), dbSNP rs758277406, ClinGen allele CA1906056.